The following is an entry in ClinVar:

ClinVar aggregate classification (germline): Pathogenic/Likely pathogenic. Review status: criteria provided, multiple submitters, no conflicts (2 of 4 stars). 9 submissions from 9 submitters: Pathogenic (5); Likely pathogenic (3). 1 of the submissions does not count toward it. Last evaluated 2025-04-09.

Conditions:
Landau-Kleffner syndrome (FESD). Also called: EPILEPSY, FOCAL, WITH SPEECH DISORDER AND WITH OR WITHOUT MENTAL RETARDATION; APHASIA, ACQUIRED, WITH EPILEPSY. Identifiers: Orphanet 1945, Orphanet 725, Orphanet 98818, MedGen C0282512, MONDO:0009509, OMIM 245570.
GRIN2A-Related Disorders. Identifiers: MedGen CN381066.
Seizure. Also called: Seizures. Identifiers: MedGen C0036572, HP:0001250.

Submissions (9):

Cytogénomique, Hospices Civils de Lyon
Classification: Pathogenic for Seizure. Last evaluated: 2025-04-09. Review status: criteria provided, single submitter. Criteria: ACMG Guidelines, 2015. Collection method: clinical testing. Allele origin: unknown. Affected: yes.

3billion
Classification: Likely pathogenic for Landau-Kleffner syndrome. Last evaluated: 2025-02-13. Review status: criteria provided, single submitter. Criteria: ACMG Guidelines, 2015. Collection method: clinical testing. Allele origin: germline. Affected: yes.
Comment: The variant is not observed in the gnomAD v4.1.0 dataset. Predicted Consequence/Location: Missense variant Functional studies provide moderate evidence of the variant having a damaging effect on the gene or gene product (PMID: 27839871). In silico tool predictions suggest damaging effect of the variant on gene or gene product [3Cnet: 0.99 (>=0.6, sensitivity 0.72 and precision 0.9)]. The same nucleotide change resulting in the same amino acid change has been previously reported as pathogenic/likely pathogenic with strong evidence (ClinVar ID: VCV000088730 /PMID: 23933818). Therefore, this variant is classified as Likely pathogenic according to the recommendation of ACMG/AMP guideline.

CeGaT Center for Human Genetics Tuebingen
Classification: Pathogenic. Last evaluated: 2024-04-01. Review status: criteria provided, single submitter. Criteria: CeGaT Center For Human Genetics Tuebingen Variant Classification Criteria Version 2. Collection method: clinical testing. Allele origin: germline. Affected: yes. Observed: 2 variant alleles.
Comment: GRIN2A: PS2, PM2, PS4:Moderate, PP2, PS3:Supporting

GeneDx
Classification: Pathogenic. Last evaluated: 2023-08-30. Review status: criteria provided, single submitter. Criteria: GeneDx Variant Classification Process June 2021. Collection method: clinical testing. Allele origin: germline. Affected: yes.
Comment: Identified in a family with epileptic encephalopathy with continuous spike and wave during slow wave sleep and intermediate epilepsy-aphasia disorder (Carvill et al., 2013); Published functional studies demonstrate a damaging effect (reduced protein level and lack of macroscopic current responses) (Swanger et al., 2016); Not observed at significant frequency in large population cohorts (gnomAD); This variant is associated with the following publications: (PMID: 28351718, 25921602, 25904555, 25498981, 30544257, 27839871, 33897753, 29455050, 23933818)

Labcorp Genetics (formerly Invitae), Labcorp
Classification: Pathogenic for Landau-Kleffner syndrome. Last evaluated: 2023-06-26. Review status: criteria provided, single submitter. Criteria: Invitae Variant Classification Sherloc (09022015). Collection method: clinical testing. Allele origin: germline.
Comment: This sequence change replaces threonine, which is neutral and polar, with methionine, which is neutral and non-polar, at codon 531 of the GRIN2A protein (p.Thr531Met). For these reasons, this variant has been classified as Pathogenic. Experimental studies have shown that this missense change affects GRIN2A function (PMID: 23933818, 27839871). Advanced modeling of protein sequence and biophysical properties (such as structural, functional, and spatial information, amino acid conservation, physicochemical variation, residue mobility, and thermodynamic stability) performed at Invitae indicates that this missense variant is expected to disrupt GRIN2A protein function. ClinVar contains an entry for this variant (Variation ID: 88730). This missense change has been observed in individual(s) with clinical features of GRIN2A-related conditions (PMID: 23933818, 30544257; Invitae). It has also been observed to segregate with disease in related individuals. This variant is not present in population databases (gnomAD no frequency).

Blueprint Genetics
Classification: Pathogenic for GRIN2A-related disorders. Last evaluated: 2020-07-09. Review status: criteria provided, single submitter. Criteria: ACMG Guidelines, 2015. Collection method: clinical testing. Allele origin: germline. Affected: yes. Observed: 2 variant alleles.

Institute of Human Genetics, University of Leipzig Medical Center
Classification: Likely pathogenic for Landau-Kleffner syndrome. Last evaluated: 2019-01-01. Review status: criteria provided, single submitter. Criteria: ACMG Guidelines, 2015. Collection method: research. Allele origin: unknown. Affected: yes.

Juno Genomics, Hangzhou Juno Genomics, Inc
Classification: Likely pathogenic for Landau-Kleffner syndrome. Review status: criteria provided, single submitter. Criteria: ACMG Guidelines, 2015. Collection method: clinical testing. Allele origin: germline. Affected: yes.
Comment: Absent from controls (or at extremely low frequency if recessive) in Genome Aggregation Database, Exome Sequencing Project, 1000 Genomes Project, or Exome Aggregation Consortium.;Missense variant in a gene that has a low rate of benign missense variation and where missense variants are a common mechanism of disease.;The prevalence of the variant in affected individuals is significantly increased compared to the prevalence in controls.;Co-segregation with disease in multiple affected family members in a gene definitively known to cause the disease.;Patient's phenotype or family history is highly specific for a disease with a single genetic etiology.;Assumed de novo, but without confirmation of paternity and maternity.;Well-established in vitro or in vivo functional studies supportive of a damaging effect on the gene or gene product.

OMIM
Classification: Pathogenic for EPILEPSY, FOCAL, WITH SPEECH DISORDER AND WITH OR WITHOUT MENTAL RETARDATION. Last evaluated: 2013-09-01. Review status: no assertion criteria provided. Collection method: literature only. Allele origin: germline. Not counted in ClinVar's aggregate classification.

Literature cited by the submitters: PubMed 27839871 (cited by 3billion and Labcorp Genetics (formerly Invitae), Labcorp); PubMed 23933818 (cited by 3 submitters); PubMed 30544257 (cited by Labcorp Genetics (formerly Invitae), Labcorp and Institute of Human Genetics, University of Leipzig Medical Center).

NM_001134407.3(GRIN2A):c.1592C>T (p.Thr531Met)

Gene: GRIN2A (glutamate ionotropic receptor NMDA type subunit 2A; minus strand). Cytogenetic location: 16p13.2.
Variant type: single nucleotide variant.
Coding change: c.1592C>T on transcript NM_001134407.3 (MANE Select); coding-DNA position 1592, C replaced by T.
Protein change: p.Thr531Met; replaces threonine 531 with methionine.
Molecular consequence: missense variant.
Genome position (GRCh38, 1-based): chr16:9,840,706, G>A on the plus strand (C>T on the coding strand, the complement: GRIN2A is on the minus strand). VCF-style: chr16-9840706-G-A. GRCh37 (hg19) VCF-style: chr16-9934563-G-A.
Other names: c.1592C>T, p.Thr531Met (NM_000833.5, NM_001134408.2); short protein forms T531M.
Identifiers: ClinVar variation 88730 (VCV000088730.39), dbSNP rs397518468, ClinGen allele CA145316.